The following is an entry in ClinVar:

ClinVar aggregate classification (germline): Uncertain significance (1 of 4 stars; one submission).

Conditions:
Ehlers-Danlos syndrome, kyphoscoliotic type 1 (EDSKSCL1). Also called: EHLERS-DANLOS SYNDROME, TYPE VIA; EHLERS-DANLOS SYNDROME, OCULAR-SCOLIOTIC TYPE; Ehlers-Danlos syndrome, hydroxylysine-deficient; PLOD1-Related Kyphoscoliotic Ehlers-Danlos Syndrome. Identifiers: Orphanet 1900, MedGen C0268342, MONDO:0016002, OMIM 225400. Disease mechanism: loss of function.

Submission:

Labcorp Genetics (formerly Invitae), Labcorp
Classification: Uncertain significance for Ehlers-Danlos syndrome, kyphoscoliotic type 1. Last evaluated: 2019-11-21. Review status: criteria provided, single submitter. Criteria: Invitae Variant Classification Sherloc (09022015). Collection method: clinical testing. Allele origin: germline.
Comment: This variant has not been reported in the literature in individuals with PLOD1-related conditions. This variant is not present in population databases (ExAC no frequency). This sequence change replaces glycine with valine at codon 464 of the PLOD1 protein (p.Gly464Val). The glycine residue is weakly conserved and there is a moderate physicochemical difference between glycine and valine. Algorithms developed to predict the effect of missense changes on protein structure and function (SIFT, PolyPhen-2, Align-GVGD) all suggest that this variant is likely to be tolerated, but these predictions have not been confirmed by published functional studies and their clinical significance is uncertain. In summary, the available evidence is currently insufficient to determine the role of this variant in disease. Therefore, it has been classified as a Variant of Uncertain Significance.

NM_000302.4(PLOD1):c.1391G>T (p.Gly464Val)

Gene: PLOD1 (procollagen-lysine,2-oxoglutarate 5-dioxygenase 1; plus strand). Cytogenetic location: 1p36.22.
Variant type: single nucleotide variant.
Coding change: c.1391G>T on transcript NM_000302.4 (MANE Select); coding-DNA position 1391, G replaced by T.
Protein change: p.Gly464Val; replaces glycine 464 with valine.
Molecular consequence: missense variant.
Genome position (GRCh38, 1-based): chr1:11,964,706, G>T. VCF-style: chr1-11964706-G-T. GRCh37 (hg19) VCF-style: chr1-12024763-G-T.
Other names: c.1532G>T, p.Gly511Val (NM_001316320.2); short protein forms G464V, G511V.
Identifiers: ClinVar variation 839834 (VCV000839834.10), dbSNP rs1645803161, ClinGen allele CA338443485.